The following is an entry in ClinVar:

NM_020207.7(ERCC6L2):c.100C>G (p.Leu34Val)

Gene: ERCC6L2 (ERCC excision repair 6 like 2; plus strand). Cytogenetic location: 9q22.32.
Variant type: single nucleotide variant.
Coding change: c.100C>G on transcript NM_020207.7 (MANE Select); coding-DNA position 100, C replaced by G.
Protein change: p.Leu34Val; replaces leucine 34 with valine.
Molecular consequence: missense variant. On other transcripts: non-coding transcript variant (1).
Genome position (GRCh38, 1-based): chr9:95,880,922, C>G. VCF-style: chr9-95880922-C-G. GRCh37 (hg19) VCF-style: chr9-98643204-C-G.
Other names: c.100C>G, p.Leu34Val (NM_001375292.1, NM_001375293.1, NM_001375294.1 and 2 more transcripts); short protein forms L34V.
Identifiers: ClinVar variation 4827683 (VCV004827683.1).

ClinVar aggregate classification (germline): Uncertain significance (1 of 4 stars; one submission).

Conditions:
Inborn genetic diseases. Identifiers: MedGen C0950123, MeSH D030342.

Submission:

Ambry Genetics
Classification: Uncertain significance for Inborn genetic diseases. Last evaluated: 2026-02-28. Review status: criteria provided, single submitter. Criteria: Ambry Variant Classification Scheme 2023. Collection method: clinical testing. Allele origin: germline.
Comment: The p.L34V variant (also known as c.100C>G), located in coding exon 2 of the ERCC6L2 gene, results from a C to G substitution at nucleotide position 100. The leucine at codon 34 is replaced by valine, an amino acid with highly similar properties. This amino acid position is conserved. In addition, this alteration is predicted to be tolerated by in silico analysis. Based on the available evidence, the clinical significance of this variant remains unclear.